The following is an entry in ClinVar:

NM_006739.4(MCM5):c.151T>C (p.Phe51Leu)

Gene: MCM5 (minichromosome maintenance complex component 5; plus strand). Cytogenetic location: 22q12.3.
Variant type: single nucleotide variant.
Coding change: c.151T>C on transcript NM_006739.4 (MANE Select); coding-DNA position 151, T replaced by C.
Protein change: p.Phe51Leu; replaces phenylalanine 51 with leucine.
Molecular consequence: missense variant.
Genome position (GRCh38, 1-based): chr22:35,400,589, T>C. VCF-style: chr22-35400589-T-C. GRCh37 (hg19) VCF-style: chr22-35796582-T-C.
Other names: c.151T>C (NM_006739.3); short protein forms F51L.
Identifiers: ClinVar variation 1481250 (VCV001481250.9), dbSNP rs761898056, ClinGen allele CA10204910.

ClinVar aggregate classification (germline): Uncertain significance. Review status: criteria provided, multiple submitters, no conflicts (2 of 4 stars). 2 submissions from 2 submitters: Uncertain significance (2). Last evaluated 2025-09-04.

Allele frequency attached by ClinVar (database versions not stated): ExAC 0.00001; gnomAD exomes 0.00001; gnomAD 0.00002; TOPMed 0.00005.
gnomAD v4.1: 11 of 1,611,184 alleles (0.00068%); highest among the groups gnomAD compares: Middle Eastern, 0.017%; no homozygotes.

Submissions (2):

Labcorp Genetics (formerly Invitae), Labcorp
Classification: Uncertain significance. Last evaluated: 2025-09-04. Review status: criteria provided, single submitter. Criteria: Invitae Variant Classification Sherloc (09022015). Collection method: clinical testing. Allele origin: germline.
Comment: This sequence change replaces phenylalanine, which is neutral and non-polar, with leucine, which is neutral and non-polar, at codon 51 of the MCM5 protein (p.Phe51Leu). This variant is present in population databases (rs761898056, gnomAD 0.01%). This variant has not been reported in the literature in individuals affected with MCM5-related conditions. ClinVar contains an entry for this variant (Variation ID: 1481250). An algorithm developed to predict the effect of missense changes on protein structure and function outputs the following: PolyPhen-2: "Benign". The leucine amino acid residue is found in multiple mammalian species, which suggests that this missense change does not adversely affect protein function. In summary, the available evidence is currently insufficient to determine the role of this variant in disease. Therefore, it has been classified as a Variant of Uncertain Significance.

Ambry Genetics
Classification: Uncertain significance. Last evaluated: 2023-11-14. Review status: criteria provided, single submitter. Criteria: Ambry Variant Classification Scheme 2023. Collection method: clinical testing. Allele origin: germline.